The following is an entry in ClinVar:

ClinVar aggregate classification (germline): Likely benign. Review status: criteria provided, multiple submitters, no conflicts (2 of 4 stars). 3 submissions from 3 submitters: Likely benign (3). Last evaluated 2024-05-06.

Allele frequency attached by ClinVar (database versions not stated): gnomAD 0.00001; gnomAD exomes 0.00002.
gnomAD v4.1: 29 of 1,613,744 alleles (0.0018%); highest among the groups gnomAD compares: Non-Finnish European, 0.0023%; no homozygotes.

Submissions (3):

Labcorp Genetics (formerly Invitae), Labcorp
Classification: Likely benign. Last evaluated: 2024-05-06. Review status: criteria provided, single submitter. Criteria: Invitae Variant Classification Sherloc (09022015). Collection method: clinical testing. Allele origin: germline.

CeGaT Center for Human Genetics Tuebingen
Classification: Likely benign. Last evaluated: 2024-04-01. Review status: criteria provided, single submitter. Criteria: CeGaT Center For Human Genetics Tuebingen Variant Classification Criteria Version 2. Collection method: clinical testing. Allele origin: germline. Affected: yes. Observed: 1 variant allele.
Comment: TRIM8: BP4, BP7

Blueprint Genetics
Classification: Likely benign. Last evaluated: 2023-11-20. Review status: criteria provided, single submitter. Criteria: ACMG Guidelines, 2015. Collection method: clinical testing. Allele origin: germline.

NM_030912.3(TRIM8):c.1470C>T (p.Ser490=)

Gene: TRIM8 (tripartite motif containing 8; plus strand). Cytogenetic location: 10q24.32.
Variant type: single nucleotide variant.
Coding change: c.1470C>T on transcript NM_030912.3 (MANE Select); coding-DNA position 1470, C replaced by T.
Protein change: p.Ser490=; no amino-acid change (serine 490 retained).
Molecular consequence: synonymous variant. On other transcripts: non-coding transcript variant (1).
Genome position (GRCh38, 1-based): chr10:102,657,168, C>T. VCF-style: chr10-102657168-C-T. GRCh37 (hg19) VCF-style: chr10-104416925-C-T.
Other names: c.1374C>T, p.Ser458= (NM_001345950.1).
Identifiers: ClinVar variation 2967205 (VCV002967205.24), dbSNP rs751884305, ClinGen allele CA212267549.